The following is an entry in ClinVar:

NM_080473.5(GATA5):c.454C>G (p.Gln152Glu)

Gene: GATA5 (GATA binding protein 5; minus strand). Cytogenetic location: 20q13.33.
Variant type: single nucleotide variant.
Coding change: c.454C>G on transcript NM_080473.5 (MANE Select); coding-DNA position 454, C replaced by G.
Protein change: p.Gln152Glu; replaces glutamine 152 with glutamic acid.
Molecular consequence: missense variant.
Genome position (GRCh38, 1-based): chr20:62,475,068, G>C on the plus strand (C>G on the coding strand, the complement: GATA5 is on the minus strand). VCF-style: chr20-62475068-G-C. GRCh37 (hg19) VCF-style: chr20-61050124-G-C.
Other names: short protein forms Q152E.
Identifiers: ClinVar variation 3622608 (VCV003622608.2).

ClinVar aggregate classification (germline): Uncertain significance (1 of 4 stars; one submission).

gnomAD v4.1: 1 of 1,413,254 alleles (0.000071%); highest among the groups gnomAD compares: African/African-American, 0.0015%; no homozygotes.

Submission:

Labcorp Genetics (formerly Invitae), Labcorp
Classification: Uncertain significance. Last evaluated: 2024-02-12. Review status: criteria provided, single submitter. Criteria: Invitae Variant Classification Sherloc (09022015). Collection method: clinical testing. Allele origin: germline.
Comment: This sequence change replaces glutamine, which is neutral and polar, with glutamic acid, which is acidic and polar, at codon 152 of the GATA5 protein (p.Gln152Glu). This variant is not present in population databases (gnomAD no frequency). This variant has not been reported in the literature in individuals affected with GATA5-related conditions. Advanced modeling of protein sequence and biophysical properties (such as structural, functional, and spatial information, amino acid conservation, physicochemical variation, residue mobility, and thermodynamic stability) performed at Invitae indicates that this missense variant is not expected to disrupt GATA5 protein function with a negative predictive value of 80%. In summary, the available evidence is currently insufficient to determine the role of this variant in disease. Therefore, it has been classified as a Variant of Uncertain Significance.